The following is an entry in ClinVar:

ClinVar aggregate classification (germline): Uncertain significance (1 of 4 stars; one submission).

Submission:

Labcorp Genetics (formerly Invitae), Labcorp
Classification: Uncertain significance. Last evaluated: 2021-04-16. Review status: criteria provided, single submitter. Criteria: Invitae Variant Classification Sherloc (09022015). Collection method: clinical testing. Allele origin: germline.
Comment: This variant is present in population databases (rs782318366, ExAC 0.003%). This variant, c.920_922del, results in the deletion of 1 amino acid(s) of the POLG2 protein (p.Gly307del), but otherwise preserves the integrity of the reading frame. This variant has not been reported in the literature in individuals with POLG2-related conditions. In summary, the available evidence is currently insufficient to determine the role of this variant in disease. Therefore, it has been classified as a Variant of Uncertain Significance. Experimental studies and prediction algorithms are not available or were not evaluated, and the functional significance of this variant is currently unknown.

NM_007215.4(POLG2):c.920_922del (p.Gly307del)

Genes: MILR1 (mast cell immunoglobulin like receptor 1; plus strand), POLG2 (DNA polymerase gamma 2, accessory subunit; minus strand). Cytogenetic location: 17q23.3.
Variant type: Deletion.
Coding change: c.920_922del on transcript NM_007215.4 (MANE Select); coding-DNA positions 920 to 922, 3 bases deleted (GAG; older notation c.920_922delGAG).
Protein change: p.Gly307del; deletes glycine 307.
Molecular consequence: inframe deletion.
Genome position (GRCh38, 1-based): chr17:64,490,843-64,490,845, CTC deleted on the plus strand (GAG on the coding strand, the reverse complement: POLG2 is on the minus strand); deleting any 3 consecutive bases within chr17:64,490,843-64,490,847 gives the same sequence; the c. name uses the placement nearest the transcript's 3' end. VCF-style (leftmost placement, unchanged base first): chr17-64490842-TCTC-T. GRCh37 (hg19) VCF-style: chr17-62486959-TCTC-T.
Other names: short protein forms G307del.
Identifiers: ClinVar variation 1478199 (VCV001478199.8), dbSNP rs782318366, ClinGen allele CA8712896.